The following is an entry in ClinVar:

NC_000016.9:g.(?_148123)_(193701_?)dup

Gene: NPRL3 (NPR3 like, GATOR1 complex subunit; minus strand). Cytogenetic location: 16p13.3.
Variant type: Duplication.
Identifiers: ClinVar variation 2423606 (VCV002423606.4).

ClinVar aggregate classification (germline): Uncertain significance (1 of 4 stars; one submission).

Conditions:
Epilepsy, familial focal, with variable foci 3 (FFEVF3). Identifiers: MedGen C4310708, MONDO:0014925, OMIM 617118.

Submission:

Labcorp Genetics (formerly Invitae), Labcorp
Classification: Uncertain significance for Epilepsy, familial focal, with variable foci 3. Last evaluated: 2023-08-24. Review status: criteria provided, single submitter. Criteria: Invitae Variant Classification Sherloc (09022015). Collection method: clinical testing. Allele origin: germline.
Comment: This variant results in a copy number gain of the genomic region encompassing exon(s) 1-9 of the NPRL3 gene. This region includes the initiator codon of the gene. This copy number gain extends beyond the assayed region for this gene and therefore may encompass additional genes. As the precise location of this event is unknown, it may be in tandem or it may be located elsewhere in the genome. This variant has not been reported in the literature in individuals affected with NPRL3-related conditions. Experimental studies and prediction algorithms are not available or were not evaluated, and the functional significance of this variant is currently unknown. In summary, the available evidence is currently insufficient to determine the role of this variant in disease. Therefore, it has been classified as a Variant of Uncertain Significance.